The following is an entry in ClinVar:

NM_006899.5(IDH3B):c.1048AAG[1] (p.Lys351del)

Gene: IDH3B (isocitrate dehydrogenase (NAD(+)) 3 non-catalytic subunit beta; minus strand). Cytogenetic location: 20p13.
Variant type: Microsatellite.
Coding change: c.1048AAG[1] on transcript NM_006899.5 (MANE Select); one copy of the 3-base unit AAG starting at c.1048; the reference has two copies in a row; one copy, 3 bases deleted.
Protein change: p.Lys351del; deletes lysine 351.
Molecular consequence: inframe deletion. On other transcripts: non-coding transcript variant (1).
Genome position (GRCh38, 1-based): chr20:2,659,543-2,659,545, CTT deleted on the plus strand (AAG on the coding strand, the reverse complement: IDH3B is on the minus strand); deleting any 3 consecutive bases within chr20:2,659,543-2,659,549 gives the same sequence; the position shown is the placement nearest the transcript's 3' end. VCF-style (leftmost placement, unchanged base first): chr20-2659542-CCTT-C. GRCh37 (hg19) VCF-style: chr20-2640188-CCTT-C.
Other names: c.1048AAG[1], p.Lys351del (NM_001258384.3, NM_001330763.2, NM_174855.4); short protein forms K351del.
Identifiers: ClinVar variation 1901262 (VCV001901262.5), dbSNP rs774653761, ClinGen allele CA9735082.

ClinVar aggregate classification (germline): Uncertain significance. Review status: criteria provided, multiple submitters, no conflicts (2 of 4 stars). 2 submissions from 2 submitters: Uncertain significance (2). Last evaluated 2022-07-23.

Submissions (2):

Labcorp Genetics (formerly Invitae), Labcorp
Classification: Uncertain significance. Last evaluated: 2022-07-23. Review status: criteria provided, single submitter. Criteria: Invitae Variant Classification Sherloc (09022015). Collection method: clinical testing. Allele origin: germline.
Comment: In summary, the available evidence is currently insufficient to determine the role of this variant in disease. Therefore, it has been classified as a Variant of Uncertain Significance. This variant, c.1051_1053del, results in the deletion of 1 amino acid(s) of the IDH3B protein (p.Lys351del), but otherwise preserves the integrity of the reading frame. This variant is present in population databases (rs774653761, gnomAD 0.003%). This variant has not been reported in the literature in individuals affected with IDH3B-related conditions. Experimental studies and prediction algorithms are not available or were not evaluated, and the functional significance of this variant is currently unknown.

Blueprint Genetics
Classification: Uncertain significance. Last evaluated: 2022-05-26. Review status: criteria provided, single submitter. Criteria: ACMG Guidelines, 2015. Collection method: clinical testing. Allele origin: germline.